The following is an entry in ClinVar:

ClinVar aggregate classification (germline): Pathogenic (1 of 4 stars; one submission).

Submission:

Labcorp Genetics (formerly Invitae), Labcorp
Classification: Pathogenic. Last evaluated: 2023-09-28. Review status: criteria provided, single submitter. Criteria: Invitae Variant Classification Sherloc (09022015). Collection method: clinical testing. Allele origin: germline.
Comment: This variant has not been reported in the literature in individuals affected with PUS1-related conditions. For these reasons, this variant has been classified as Pathogenic. This variant is not present in population databases (gnomAD no frequency). This sequence change creates a premature translational stop signal (p.Val284*) in the PUS1 gene. It is expected to result in an absent or disrupted protein product. Loss-of-function variants in PUS1 are known to be pathogenic (PMID: 17056637, 19731322, 25058219, 26556812).

Literature cited by the submitters: PubMed 17056637; PubMed 19731322; PubMed 25058219; PubMed 26556812.

NM_025215.6(PUS1):c.850del (p.Arg283_Val284insTer)

Gene: PUS1 (pseudouridine synthase 1; plus strand). Cytogenetic location: 12q24.33.
Variant type: Deletion.
Coding change: c.850del on transcript NM_025215.6 (MANE Select); coding-DNA position 850, one base deleted (G; older notation c.850delG).
Protein change: p.Arg283_Val284insTer.
Molecular consequence: nonsense.
Genome position (GRCh38, 1-based): chr12:131,941,597, G deleted; the last of 3 consecutive G bases (chr12:131,941,595-131,941,597); deleting any one gives the same sequence. VCF-style (leftmost placement, unchanged base first): chr12-131941594-AG-A. GRCh37 (hg19) VCF-style: chr12-132426139-AG-A.
Other names: c.766del, p.Arg255_Val256insTer (NM_001002019.3, NM_001002020.3).
Identifiers: ClinVar variation 2764056 (VCV002764056.3), dbSNP rs2540873437, ClinGen allele CA2697551564.